The following is an entry in ClinVar:

ClinVar aggregate classification (germline): Uncertain significance (1 of 4 stars; one submission).

Allele frequency attached by ClinVar (database versions not stated): gnomAD 0.00001.
gnomAD v4.1: 44 of 1,613,880 alleles (0.0027%); highest among the groups gnomAD compares: Non-Finnish European, 0.0037%; no homozygotes.

Submission:

Labcorp Genetics (formerly Invitae), Labcorp
Classification: Uncertain significance. Last evaluated: 2023-10-05. Review status: criteria provided, single submitter. Criteria: Invitae Variant Classification Sherloc (09022015). Collection method: clinical testing. Allele origin: germline.
Comment: This sequence change falls in intron 6 of the BEST1 gene. It does not directly change the encoded amino acid sequence of the BEST1 protein. It affects a nucleotide within the consensus splice site. This variant is present in population databases (rs779217427, gnomAD 0.002%). This variant has not been reported in the literature in individuals affected with BEST1-related conditions. ClinVar contains an entry for this variant (Variation ID: 1042120). Variants that disrupt the consensus splice site are a relatively common cause of aberrant splicing (PMID: 17576681, 9536098). Algorithms developed to predict the effect of sequence changes on RNA splicing suggest that this variant is not likely to affect RNA splicing. In summary, the available evidence is currently insufficient to determine the role of this variant in disease. Therefore, it has been classified as a Variant of Uncertain Significance.

Literature cited by the submitters: PubMed 17576681; PubMed 9536098.

NM_004183.4(BEST1):c.714+3G>T

Gene: BEST1 (bestrophin 1; plus strand). Cytogenetic location: 11q12.3.
Variant type: single nucleotide variant.
Coding change: c.714+3G>T on transcript NM_004183.4 (MANE Select); 3 bases into the intron after coding-DNA position 714, G replaced by T.
Molecular consequence: intron variant.
Genome position (GRCh38, 1-based): chr11:61,957,467, G>T. VCF-style: chr11-61957467-G-T. GRCh37 (hg19) VCF-style: chr11-61724939-G-T.
Other names: c.714+3G>T (NM_001363592.2, NM_001440571.1, NM_001440572.1 and 1 more transcripts); c.534+3G>T (NM_001139443.3, NM_001300787.2, NM_001440574.1 and 3 more transcripts); c.-462+3G>T (NM_001363593.3); c.396+3G>T (NM_001363591.3).
Identifiers: ClinVar variation 1042120 (VCV001042120.8), dbSNP rs779217427, ClinGen allele CA6040825.
Genomic context (GRCh38, chr11:61,957,467, plus strand): 5'-TCAGTGTGGACACCTGTATGCCTACGACTGGATTAGTATCCCACTGGTGTATACACAGGT[G>T]AGGACTAGGCTGGTGAGGCTGCCCTTTTGGGAAACTGAGGCTAGAAGGACCAAGGAAGCA-3'